The following is an entry in ClinVar:

ClinVar aggregate classification (germline): Uncertain significance (1 of 4 stars; one submission).

Conditions:
Encephalopathy, acute, infection-induced (herpes-specific), susceptibility to, 1. Also called: Herpes simplex encephalitis, susceptibility to, 1. Identifiers: Orphanet 1930, MedGen C2750180, MONDO:0024563, OMIM 610551.

Allele frequency attached by ClinVar (database versions not stated): TOPMed below 0.00001; gnomAD 0.00002.
gnomAD v4.1: 7 of 1,613,692 alleles (0.00043%); highest among the groups gnomAD compares: African/African-American, 0.0027%; no homozygotes.

Submission:

Labcorp Genetics (formerly Invitae), Labcorp
Classification: Uncertain significance for Encephalopathy, acute, infection-induced (herpes-specific), susceptibility to, 1. Last evaluated: 2023-10-30. Review status: criteria provided, single submitter. Criteria: Invitae Variant Classification Sherloc (09022015). Collection method: clinical testing. Allele origin: germline.
Comment: This sequence change replaces proline, which is neutral and non-polar, with serine, which is neutral and polar, at codon 578 of the TLR3 protein (p.Pro578Ser). This variant is present in population databases (no rsID available, gnomAD 0.002%). This variant has not been reported in the literature in individuals affected with TLR3-related conditions. An algorithm developed to predict the effect of missense changes on protein structure and function (PolyPhen-2) suggests that this variant is likely to be disruptive. In summary, the available evidence is currently insufficient to determine the role of this variant in disease. Therefore, it has been classified as a Variant of Uncertain Significance.

NM_003265.3(TLR3):c.1732C>T (p.Pro578Ser)

Gene: TLR3 (toll like receptor 3; plus strand). Cytogenetic location: 4q35.1.
Variant type: single nucleotide variant.
Coding change: c.1732C>T on transcript NM_003265.3 (MANE Select); coding-DNA position 1732, C replaced by T.
Protein change: p.Pro578Ser; replaces proline 578 with serine.
Molecular consequence: missense variant.
Genome position (GRCh38, 1-based): chr4:186,083,418, C>T. VCF-style: chr4-186083418-C-T. GRCh37 (hg19) VCF-style: chr4-187004572-C-T.
Other names: short protein forms P578S.
Identifiers: ClinVar variation 2735935 (VCV002735935.3), dbSNP rs1280003005, ClinGen allele CA358933734.